The following is an entry in ClinVar:

ClinVar aggregate classification (germline): Uncertain significance. Review status: criteria provided, multiple submitters, no conflicts (2 of 4 stars). 4 submissions from 4 submitters: Uncertain significance (4). Last evaluated 2025-08-11.

Conditions:
Charcot-Marie-Tooth disease type 2. Also called: Charcot-Marie-Tooth type 2. Identifiers: Orphanet 64746, MedGen C0270914, MONDO:0018993.
Inborn genetic diseases. Identifiers: MedGen C0950123, MeSH D030342.

Allele frequency attached by ClinVar (database versions not stated): gnomAD exomes 0.00001 and 0.00002; ExAC 0.00002; gnomAD 0.00002; TOPMed 0.00002; ESP Exome Variant Server 0.00008.

Submissions (4):

Labcorp Genetics (formerly Invitae), Labcorp
Classification: Uncertain significance for Charcot-Marie-Tooth disease type 2. Last evaluated: 2025-08-11. Review status: criteria provided, single submitter. Criteria: Invitae Variant Classification Sherloc (09022015). Collection method: clinical testing. Allele origin: germline.
Comment: This sequence change replaces glutamine, which is neutral and polar, with proline, which is neutral and non-polar, at codon 413 of the MFN2 protein (p.Gln413Pro). This variant is present in population databases (rs375335641, gnomAD 0.003%). This variant has not been reported in the literature in individuals affected with MFN2-related conditions. ClinVar contains an entry for this variant (Variation ID: 1501556). Invitae Evidence Modeling of protein sequence and biophysical properties (such as structural, functional, and spatial information, amino acid conservation, physicochemical variation, residue mobility, and thermodynamic stability) has been performed for this missense variant. However, the output from this modeling did not meet the statistical confidence thresholds required to predict the impact of this variant on MFN2 protein function. In summary, the available evidence is currently insufficient to determine the role of this variant in disease. Therefore, it has been classified as a Variant of Uncertain Significance.

ARUP Laboratories, Molecular Genetics and Genomics, ARUP Laboratories
Classification: Uncertain significance. Last evaluated: 2025-05-22. Review status: criteria provided, single submitter. Criteria: ARUP Molecular Germline Variant Investigation Process 2024. Collection method: clinical testing. Allele origin: germline.
Comment: The MFN2 c.1238A>C; p.Gln413Pro variant (rs375335641), to our knowledge, is not reported in the medical literature but is reported in ClinVar (Variation ID: 1501556). This variant is only observed on three alleles in the Genome Aggregation Database (v2.1.1), indicating it is not a common polymorphism. Computational analyses are uncertain whether this variant is neutral or deleterious (REVEL: 0.449). Due to limited information, the clinical significance of this variant is uncertain at this time.

Ambry Genetics
Classification: Uncertain significance for Inborn genetic diseases. Last evaluated: 2025-02-24. Review status: criteria provided, single submitter. Criteria: Ambry Variant Classification Scheme 2023. Collection method: clinical testing. Allele origin: germline.

Blueprint Genetics
Classification: Uncertain significance. Last evaluated: 2023-09-13. Review status: criteria provided, single submitter. Criteria: ACMG Guidelines, 2015. Collection method: clinical testing. Allele origin: germline.

NM_014874.4(MFN2):c.1238A>C (p.Gln413Pro)

Gene: MFN2 (mitofusin 2; plus strand). Cytogenetic location: 1p36.22.
Variant type: single nucleotide variant.
Coding change: c.1238A>C on transcript NM_014874.4 (MANE Select); coding-DNA position 1238, A replaced by C.
Protein change: p.Gln413Pro; replaces glutamine 413 with proline.
Molecular consequence: missense variant.
Genome position (GRCh38, 1-based): chr1:12,004,069, A>C. VCF-style: chr1-12004069-A-C. GRCh37 (hg19) VCF-style: chr1-12064126-A-C.
Other names: c.1238A>C, p.Gln413Pro (NM_001127660.2); short protein forms Q413P.
Identifiers: ClinVar variation 1501556 (VCV001501556.13), dbSNP rs375335641, ClinGen allele CA599055.